The following is an entry in ClinVar:

NM_001458.5(FLNC):c.1205del (p.Thr402fs)

Gene: FLNC (filamin C; plus strand). Cytogenetic location: 7q32.1.
Variant type: Deletion.
Coding change: c.1205del on transcript NM_001458.5 (MANE Select); coding-DNA position 1205, one base deleted (C; older notation c.1205delC).
Protein change: p.Thr402fs; shifts the reading frame from threonine 402.
Molecular consequence: frameshift variant.
Genome position (GRCh38, 1-based): chr7:128,838,424, C deleted. VCF-style (leftmost placement, unchanged base first): chr7-128838423-AC-A. GRCh37 (hg19) VCF-style: chr7-128478477-AC-A.
Other names: c.1205del, p.Thr402fs (NM_001127487.2); short protein forms T402fs.
Identifiers: ClinVar variation 1068631 (VCV001068631.7), dbSNP rs2128934432, ClinGen allele CA2499218718.

ClinVar aggregate classification (germline): Pathogenic (1 of 4 stars; one submission).

Conditions:
Myofibrillar myopathy 5. Also called: Filaminopathy (type); FILAMINOPATHY, AUTOSOMAL DOMINANT. Identifiers: Orphanet 171445, MedGen C1836050, MONDO:0012289, OMIM 609524.
Distal myopathy with posterior leg and anterior hand involvement. Also called: WILLIAMS DISTAL MYOPATHY. Identifiers: Orphanet 63273, MedGen C3279722, MONDO:0013550, OMIM 614065.
Hypertrophic cardiomyopathy 26. Also called: Cardiomyopathy, familial hypertrophic, 26. Identifiers: Orphanet 75249, MedGen C4310749, MONDO:0014883, OMIM 617047.

Submission:

Labcorp Genetics (formerly Invitae), Labcorp
Classification: Pathogenic for Distal myopathy with posterior leg and anterior hand involvement; Myofibrillar myopathy 5; Hypertrophic cardiomyopathy 26. Last evaluated: 2018-06-09. Review status: criteria provided, single submitter. Criteria: Invitae Variant Classification Sherloc (09022015). Collection method: clinical testing. Allele origin: germline.
Comment: For these reasons, this variant has been classified as Pathogenic. Loss-of-function variants in FLNC are known to be pathogenic (PMID: 27908349). This variant has not been reported in the literature in individuals with FLNC-related disease. This variant is not present in population databases (ExAC no frequency). This sequence change creates a premature translational stop signal (p.Thr402Metfs*12) in the FLNC gene. It is expected to result in an absent or disrupted protein product.

Literature cited by the submitters: PubMed 27908349.